The following is an entry in ClinVar:

NM_003803.4(MYOM1):c.1733G>A (p.Arg578His)

Gene: MYOM1 (myomesin 1; minus strand). Cytogenetic location: 18p11.31.
Variant type: single nucleotide variant.
Coding change: c.1733G>A on transcript NM_003803.4 (MANE Select); coding-DNA position 1733, G replaced by A.
Protein change: p.Arg578His; replaces arginine 578 with histidine.
Molecular consequence: missense variant.
Genome position (GRCh38, 1-based): chr18:3,151,804, C>T on the plus strand (G>A on the coding strand, the complement: MYOM1 is on the minus strand). VCF-style: chr18-3151804-C-T. GRCh37 (hg19) VCF-style: chr18-3151802-C-T.
Other names: c.1733G>A, p.Arg578His (NM_019856.2); short protein forms R578H.
Identifiers: ClinVar variation 180447 (VCV000180447.13), dbSNP rs200374196, ClinGen allele CA346524.
Genomic context (GRCh38, chr18:3,151,804, plus strand): 5'-ACTCGAGATGGGAAACCTATTCCCATTTTATTCACAGCTCGAACTCGGAAGATATAGGAA[C>T]GACCTTCGATCAATCCAGTGACAGGAAAACGAGCAAACTTCACAGGTGTGTCATTGCACT-3'
Protein context (NP_003794.3, residues 568-588): RFPVTGLIEG[Arg578His]SYIFRVRAVN

ClinVar aggregate classification (germline): Uncertain significance. Review status: criteria provided, multiple submitters, no conflicts (2 of 4 stars). 4 submissions from 4 submitters: Uncertain significance (4). Last evaluated 2025-09-26.

Conditions:
Hypertrophic cardiomyopathy. Also called: HYPERTROPHIC MYOCARDIOPATHY. Identifiers: Orphanet 217569, MedGen C0007194, MeSH D002312, MONDO:0005045, HP:0001639.

Allele frequency attached by ClinVar (database versions not stated): TOPMed 0.00006.
gnomAD v4.1: 110 of 1,613,762 alleles (0.0068%); highest among the groups gnomAD compares: South Asian, 0.032%; 1 homozygote.

Submissions (4):

Labcorp Genetics (formerly Invitae), Labcorp
Classification: Uncertain significance for Hypertrophic cardiomyopathy. Last evaluated: 2025-09-26. Review status: criteria provided, single submitter. Criteria: Invitae Variant Classification Sherloc (09022015). Collection method: clinical testing. Allele origin: germline.
Comment: This sequence change replaces arginine, which is basic and polar, with histidine, which is basic and polar, at codon 578 of the MYOM1 protein (p.Arg578His). This variant is present in population databases (rs200374196, gnomAD 0.04%). This variant has not been reported in the literature in individuals affected with MYOM1-related conditions. ClinVar contains an entry for this variant (Variation ID: 180447). Invitae Evidence Modeling of protein sequence and biophysical properties (such as structural, functional, and spatial information, amino acid conservation, physicochemical variation, residue mobility, and thermodynamic stability) has been performed for this missense variant. However, the output from this modeling did not meet the statistical confidence thresholds required to predict the impact of this variant on MYOM1 protein function. In summary, the available evidence is currently insufficient to determine the role of this variant in disease. Therefore, it has been classified as a Variant of Uncertain Significance.

Blueprint Genetics
Classification: Uncertain significance. Last evaluated: 2024-10-14. Review status: criteria provided, single submitter. Criteria: ACMG Guidelines, 2015. Collection method: clinical testing. Allele origin: germline.

Ambry Genetics
Classification: Uncertain significance. Last evaluated: 2023-11-29. Review status: criteria provided, single submitter. Criteria: Ambry Variant Classification Scheme 2023. Collection method: clinical testing. Allele origin: germline.
Comment: The p.R578H variant (also known as c.1733G>A), located in coding exon 11 of the MYOM1 gene, results from a G to A substitution at nucleotide position 1733. The arginine at codon 578 is replaced by histidine, an amino acid with highly similar properties. This amino acid position is conserved. In addition, the in silico prediction for this alteration is inconclusive. Since supporting evidence is limited at this time, the clinical significance of this alteration remains unclear.

Breakthrough Genomics
Classification: Uncertain significance. Review status: criteria provided, single submitter. Criteria: ACMG Guidelines, 2015. Collection method: not provided. Allele origin: germline. Inheritance: Unknown mechanism. Affected: yes.